The following is an entry in ClinVar:

NM_001166108.2(PALLD):c.3043G>A (p.Glu1015Lys)

Genes: CBR4 (carbonyl reductase 4; minus strand), PALLD (palladin, cytoskeletal associated protein; plus strand). Cytogenetic location: 4q32.3.
Variant type: single nucleotide variant.
Coding change: c.3043G>A on transcript NM_001166108.2 (MANE Select); coding-DNA position 3043, G replaced by A.
Protein change: p.Glu1015Lys; replaces glutamic acid 1015 with lysine.
Molecular consequence: missense variant.
Genome position (GRCh38, 1-based): chr4:168,921,726, G>A. VCF-style: chr4-168921726-G-A. GRCh37 (hg19) VCF-style: chr4-169842877-G-A.
Other names: c.1846G>A, p.Glu616Lys (NM_001166109.2); c.1531G>A, p.Glu511Lys (NM_001166110.2); c.871G>A, p.Glu291Lys (NM_001367567.1, NM_001367569.1); c.922G>A, p.Glu308Lys (NM_001367568.1, NM_001367570.1); c.2992G>A, p.Glu998Lys (NM_016081.4); short protein forms E308K, E1015K, E291K, E511K, E616K, E998K.
Identifiers: ClinVar variation 2563414 (VCV002563414.2), dbSNP rs2534196231, ClinGen allele CA358709774.
Genomic context (GRCh38, chr4:168,921,726, plus strand): 5'-GATGCCGGCATCTACACATGTATAGCTACCAACCGAGCAGGACAGAACTCATTCAGCCTG[G>A]AGCTTGTGGTTGCTGGTAGGCTCATCTGTGAATCCTTGCTCTCTGACAGAATGAACATCA-3'
Protein context (NP_001159580.1, residues 1005-1025): NRAGQNSFSL[Glu1015Lys]LVVAAKEAHK

ClinVar aggregate classification (germline): Uncertain significance (1 of 4 stars; one submission).

Allele frequency attached by ClinVar (database versions not stated): gnomAD exomes below 0.00001.
gnomAD v4.1: 1 of 1,611,408 alleles (0.000062%); highest among the groups gnomAD compares: Middle Eastern, 0.022%; no homozygotes.

Submission:

Ambry Genetics
Classification: Uncertain significance. Last evaluated: 2023-05-14. Review status: criteria provided, single submitter. Criteria: Ambry Variant Classification Scheme 2023. Collection method: clinical testing. Allele origin: germline.
Comment: The p.E998K variant (also known as c.2992G>A), located in coding exon 16 of the PALLD gene, results from a G to A substitution at nucleotide position 2992. The glutamic acid at codon 998 is replaced by lysine, an amino acid with similar properties. This amino acid position is conserved. In addition, the in silico prediction for this alteration is inconclusive. Since supporting evidence is limited at this time, the clinical significance of this alteration remains unclear.